The following is an entry in ClinVar:

ClinVar aggregate classification (germline): Uncertain significance (1 of 4 stars; one submission).

Submission:

GeneDx
Classification: Uncertain significance. Last evaluated: 2025-12-11. Review status: criteria provided, single submitter. Criteria: GeneDx Variant Classification Process June 2021. Collection method: clinical testing. Allele origin: germline.
Comment: Not observed at significant frequency in large population cohorts (gnomAD); In silico analysis supports that this missense variant has a deleterious effect on protein structure/function; Has not been previously published as pathogenic or benign to our knowledge.

NM_001003699.4(RREB1):c.1546C>G (p.Arg516Gly)

Gene: RREB1 (ras responsive element binding protein 1; plus strand). Cytogenetic location: 6p24.3.
Variant type: single nucleotide variant.
Coding change: c.1546C>G on transcript NM_001003699.4 (MANE Select); coding-DNA position 1546, C replaced by G.
Protein change: p.Arg516Gly; replaces arginine 516 with glycine.
Molecular consequence: missense variant.
Genome position (GRCh38, 1-based): chr6:7,229,645, C>G. VCF-style: chr6-7229645-C-G. GRCh37 (hg19) VCF-style: chr6-7229878-C-G.
Other names: c.1546C>G, p.Arg516Gly (NM_001003700.2, NM_001168344.2, NM_001003698.4); short protein forms R516G.
Identifiers: ClinVar variation 4055792 (VCV004055792.2).
Genomic context (GRCh38, chr6:7,229,645, plus strand): 5'-CCACTGCAGGCGATCTTCAAGCACATGCCCCCTCTGAAGCCAAAGCCCCTGGTCACACCA[C>G]GGACGGTGGTGGCCACCTCCACGCCCCCGCCTCTCATCAACGCCCAGCAGGCTTCCCCGG-3'
Protein context (NP_001003699.1, residues 506-526): PLKPKPLVTP[Arg516Gly]TVVATSTPPP